The following is an entry in ClinVar:

NM_138615.3(DHX30):c.314A>G (p.Lys105Arg)

Gene: DHX30 (DExH-box helicase 30; plus strand). Cytogenetic location: 3p21.31.
Variant type: single nucleotide variant.
Coding change: c.314A>G on transcript NM_138615.3 (MANE Select); coding-DNA position 314, A replaced by G.
Protein change: p.Lys105Arg; replaces lysine 105 with arginine.
Molecular consequence: missense variant.
Genome position (GRCh38, 1-based): chr3:47,829,082, A>G. VCF-style: chr3-47829082-A-G. GRCh37 (hg19) VCF-style: chr3-47870572-A-G.
Other names: c.230A>G, p.Lys77Arg (NM_001330990.2); c.197A>G, p.Lys66Arg (NM_014966.4); short protein forms K105R, K66R, K77R.
Identifiers: ClinVar variation 3361604 (VCV003361604.2).

ClinVar aggregate classification (germline): Uncertain significance (1 of 4 stars; one submission).

Submission:

GeneDx
Classification: Uncertain significance. Last evaluated: 2026-05-22. Review status: criteria provided, single submitter. Criteria: GeneDx Variant Classification Process June 2021. Collection method: clinical testing. Allele origin: germline.
Comment: Not observed at significant frequency in large population cohorts (gnomAD); In silico analysis supports that this missense variant does not alter protein structure/function; Has not been previously published as pathogenic or benign to our knowledge